The following continues an entry in ClinVar:

NM_000143.4(FH):c.1431_1433dup (p.Lys477dup)

Gene: FH. ClinVar aggregate classification (germline): Conflicting classifications of pathogenicity. Pathogenic (9); Likely pathogenic (16); Uncertain significance (7).

Submissions 22 to 39 of 39:

ARUP Laboratories, Molecular Genetics and Genomics, ARUP Laboratories
Classification: Likely pathogenic. Last evaluated: 2023-09-14. Review status: criteria provided, single submitter. Criteria: ARUP Molecular Germline Variant Investigation Process 2024. Collection method: clinical testing. Allele origin: germline.
Comment: The FH c.1431_1433dupAAA; p.Lys477dup variant (rs367543046), also known as Lys434ins, 1302insAAA, 1431insAAA, 1433_1434dupAAA, is commonly found in the compound heterozygous state in individuals with fumarase deficiency (Coughlin 1998, Ezgu 2013, Rustin 1997), and is considered the most frequent pathogenic variant associated with fumarase deficiency (Ewbank 2013). It is also reported in the heterozygous state in individuals with cancer predisposition syndrome including hereditary leiomyomatosis and renal cell cancer syndrome (Chen 2014, Ezgu 2013, Martinek 2015, Whitworth 2018). This variant is reported in ClinVar (Variation ID: 42095). It is found in the general population with an overall allele frequency of 0.1% (285/280892 alleles, including 2 homozygotes) in the Genome Aggregation Database. Based on available information, this variant is considered to be likely pathogenic. REFERENCES Chen YB et al. Hereditary leiomyomatosis and renal cell carcinoma syndrome-associated renal cancer: recognition of the syndrome by pathologic features and the utility of detecting aberrant succination by immunohistochemistry. Am J Surg Pathol. 2014 May;38(5):627-37. Coughlin EM et al. Molecular analysis and prenatal diagnosis of human fumarase deficiency. Mol Genet Metab. 1998 Apr;63(4):254-62. Ewbank C et al. Fumarate Hydratase Deficiency. In: Adam MP, Ardinger HH, Pagon RA, Wallace SE, Bean LJH, Stephens K, Amemiya A, editors. SourceGeneReviews (Internet). Seattle (WA): University of Washington, Seattle; 1993-2019. 2006 Jul 5 (updated 2013 Apr 4). Accessed online at an online resource Ezgu F et al. Mild clinical presentation and prolonged survival of a patient with fumarase deficiency due to the combination of a known and a novel mutation in FH gene. Gene. 2013 Jul 25;524(2):403-6. Martinek P et al. Genetic testing of leiomyoma tissue in women younger than 30 years old might provide an effective screening approach for the hereditary leiomyomatosis and renal cell cancer syndrome (HLRCC). Virchows Arch. 2015 Aug;467(2):185-91. Rustin P et al. Inborn errors of the Krebs cycle: a group of unusual mitochondrial diseases in human. Biochim Biophys Acta. 1997 Aug 22;1361(2):185-97. Whitworth J et al. Comprehensive Cancer-Predisposition Gene Testing in an Adult Multiple Primary Tumor Series Shows a Broad Range of Deleterious Variants and Atypical Tumor Phenotypes. Am J Hum Genet. 2018 Jul 5;103(1):3-18.

Laboratoire de Génétique Moléculaire, CHU Bordeaux
Classification: Pathogenic for Fumarase deficiency. Last evaluated: 2023-05-30. Review status: criteria provided, single submitter. Criteria: ACMG Guidelines, 2015. Collection method: clinical testing. Allele origin: germline. Affected: yes.

Ambry Genetics
Classification: Pathogenic for Hereditary cancer-predisposing syndrome. Last evaluated: 2023-05-04. Review status: criteria provided, single submitter. Criteria: Ambry Variant Classification Scheme 2023. Collection method: clinical testing. Allele origin: germline.
Comment: The c.1431_1433dupAAA (p.K477dup) alteration, located in coding exon 10 of the FH gene, results from an in-frame duplication of 3 nucleotides at positions 1431 to 1433. This results in the duplication of a lysine residue at codon 477. This alteration is also designated as K434ins, c.1302insAAA, c.1433dupAAA, AAAins435, 435insK, 435insAAA, c.1433_1434dupAAA, and c.1431insAAA in published literature. Based on the available evidence, the FH c.1431_1433dupAAA (p.K477dup) alteration is classified as pathogenic in the compound heterozygous state for autosomal recessive FH deficiency; however, it is not considered a risk factor for HLRCC. Based on data from gnomAD, the c.1431_1433dupAAA allele has an overall frequency of 0.102% (285/280892) total alleles studied. The highest observed frequency was 0.512% (53/10360) of Ashkenazi Jewish alleles. This alteration has been identified in a suspected or confirmed compound heterozygous state with other FH alterations in numerous children with autosomal recessive fumarate hydratase (FH) deficiency (Gellera, 1990; Rustin, 1997; Coughlin, 1998; Loeffen, 2005; Pollard, 2005; Deschauer, 2006; Ottolenghi, 2011; Ezgu, 2013; Tregoning, 2013). However, this variant has been detected incidentally in a homozygous state in individuals who do not have features that are consistent with FH deficiency, although they may not have been ascertained for FH-related diseases (Ambry internal data). In the literature, this variant has been detected in a heterozygous state in a few individuals who have some features that are consistent with autosomal dominant hereditary leiomyomatosis and renal cell cancer (HLRCC) including renal cancer, uterine leiomyomas and subcutaneous leiomyomas, although at least one of these individuals carried another FH alteration (phase unknown) (Chen, 2014; Mart&iacute;nek, 2015; Ylisaukko-oja, 2006; Ezgu, 2013). However, this variant has also been detected in a heterozygous state in a vast number of individuals who do not have a personal or family history that is consistent with or suggestive of HLRCC (Zhang, 2020; Forde, 2020; Pahl, 2018; Ambry internal data). This amino acid position is well conserved in available vertebrate species. A cell line derived from a patient with FH deficiency, who is compound heterozygous for this alteration and FH p.R233H, showed defective energy and redox metabolism at the mRNA level (Raimundo, 2008). This alteration is predicted to be deleterious by in silico analysis (Choi, 2012). Based on the available evidence, this alteration is classified as pathogenic.

MGZ Medical Genetics Center
Classification: Likely pathogenic for Hereditary leiomyomatosis and renal cell cancer. Last evaluated: 2022-08-19. Review status: criteria provided, single submitter. Criteria: ACMG Guidelines, 2015. Collection method: clinical testing. Allele origin: germline. Affected: yes. Observed: 8 variant alleles.
Comment: ACMG criteria applied: PM3_STR, PS3_SUP, PS4_SUP, PP1

Mendelics
Classification: Pathogenic for Hereditary leiomyomatosis and renal cell cancer. Last evaluated: 2022-05-04. Review status: criteria provided, single submitter. Criteria: Mendelics Assertion Criteria 2019. Collection method: clinical testing. Allele origin: germline.

Institute for Clinical Genetics, University Hospital TU Dresden, University Hospital TU Dresden
Classification: Likely pathogenic. Last evaluated: 2021-11-03. Review status: criteria provided, single submitter. Criteria: ACMG Guidelines, 2015. Collection method: clinical testing. Allele origin: germline.

Greenwood Genetic Center Diagnostic Laboratories, Greenwood Genetic Center
Classification: Uncertain significance. Last evaluated: 2021-01-28. Review status: criteria provided, single submitter. Criteria: ACMG Guidelines, 2015. Collection method: clinical testing. Allele origin: germline. Affected: yes.
Comment: PM3, PM4

Genetic Services Laboratory, University of Chicago
Classification: Likely pathogenic. Last evaluated: 2020-03-19. Review status: criteria provided, single submitter. Criteria: ACMG Guidelines, 2015. Collection method: clinical testing. Allele origin: germline. Affected: yes.
Comment: DNA sequence analysis of the FH gene demonstrated a three base pair duplication in exon 10, c.1431_1433dup. This pathogenic sequence change results in the duplication of one amino acid residue, p.Lys477dup. The p.Lys477dup sequence change is the most frequent mutant allele observed in patients with autosomal recessive FH-associated fumarate hydratase deficiency (PMID: 20301679). Functional studies have shown that the p.Lys477dup sequence change leads to significantly reduced FH enzyme activity levels (PMID: 15987702).

Institute of Human Genetics, University of Leipzig Medical Center
Classification: Uncertain significance for Fumarase deficiency. Last evaluated: 2017-04-25. Review status: criteria provided, single submitter. Criteria: ACMG Guidelines, 2015. Collection method: clinical testing. Allele origin: germline. Affected: yes. Observed: 1 variant allele.

Eurofins Ntd Llc (ga)
Classification: Pathogenic. Last evaluated: 2015-01-20. Review status: criteria provided, single submitter. Criteria: EGL Classification Definitions. Collection method: clinical testing. Allele origin: germline. Observed: 4 variant alleles, 4 heterozygotes.

University Health Network, Familial Cancer Clinic, Princess Margaret Cancer Centre
Classification: Likely pathogenic for Fumarase deficiency. Review status: criteria provided, single submitter. Criteria: ACMG Guidelines, 2015. Collection method: clinical testing. Allele origin: germline. Inheritance: Autosomal dominant inheritance. Affected: yes and no. Observed: 3 variant alleles. Clinical features observed: Breast carcinoma (HP:0003002).

OMIM
Classification: Pathogenic for FUMARASE DEFICIENCY. Last evaluated: 2020-08-07. Review status: no assertion criteria provided. Collection method: literature only. Allele origin: germline. Not counted in ClinVar's aggregate classification.

Biesecker Lab/Clinical Genomics Section, National Institutes of Health
Classification: Uncertain significance. Last evaluated: 2012-07-13. Review status: no assertion criteria provided. Collection method: research. Allele origin: germline. Affected: no. Observed: 5 variant alleles. Study: ClinSeq. Not counted in ClinVar's aggregate classification.
ClinVar note: Converted during submission from variant of unknown significance to Uncertain significance.

Blake Wilde Laboratory, Roswell Park Comprehensive Cancer Center
No classification provided (evidence only). Condition: Hereditary leiomyomatosis and renal cell cancer. Review status: no classification provided. Collection method: in vitro. Allele origin: not applicable. Functional consequence: decreased enzyme activity. Not counted in ClinVar's aggregate classification.

GeneReviews
No classification provided. Condition: Fumarase deficiency. Review status: no classification provided. Collection method: literature only. Allele origin: unknown. Not counted in ClinVar's aggregate classification.

Genome Diagnostics Laboratory, Amsterdam University Medical Center
Classification: Pathogenic. Review status: no assertion criteria provided. Collection method: clinical testing. Allele origin: germline. Affected: yes. Study: VKGL Data-share Consensus. Not counted in ClinVar's aggregate classification.

Joint Genome Diagnostic Labs from Nijmegen and Maastricht, Radboudumc and MUMC+
Classification: Pathogenic. Review status: no assertion criteria provided. Collection method: clinical testing. Allele origin: germline. Affected: yes. Study: VKGL Data-share Consensus. Not counted in ClinVar's aggregate classification.

Sema4
Classification: Likely benign for Hereditary cancer-predisposing syndrome. Last evaluated: 2021-11-02. Review status: flagged submission. Criteria: Sema4 Curation Guidelines. Collection method: curation. Allele origin: germline. Not counted in ClinVar's aggregate classification.
ClinVar note: Reason: Outlier claim with insufficient supporting evidence

Literature cited by the submitters: PubMed 15987702 (cited by 5 submitters); PubMed 29909963 (cited by 3 submitters); PubMed 24441663 (cited by 5 submitters); PubMed 9635293 (cited by 6 submitters); PubMed 16510303 (cited by 6 submitters); PubMed 23612258 (cited by 7 submitters).